The following is an entry in ClinVar:

ClinVar aggregate classification (germline): Uncertain significance (1 of 4 stars; one submission).

Conditions:
RASopathy. Also called: Noonan spectrum disorder; rasopathies. Identifiers: Orphanet 536391, MedGen C5555857, MONDO:0021060.

Submission:

Labcorp Genetics (formerly Invitae), Labcorp
Classification: Uncertain significance for RASopathy. Last evaluated: 2023-02-14. Review status: criteria provided, single submitter. Criteria: Invitae Variant Classification Sherloc (09022015). Collection method: clinical testing. Allele origin: germline.
Comment: This sequence change replaces phenylalanine, which is neutral and non-polar, with leucine, which is neutral and non-polar, at codon 83 of the MAP2K1 protein (p.Phe83Leu). In summary, the available evidence is currently insufficient to determine the role of this variant in disease. Therefore, it has been classified as a Variant of Uncertain Significance. Advanced modeling of protein sequence and biophysical properties (such as structural, functional, and spatial information, amino acid conservation, physicochemical variation, residue mobility, and thermodynamic stability) performed at Invitae indicates that this missense variant is not expected to disrupt MAP2K1 protein function. This variant has not been reported in the literature in individuals affected with MAP2K1-related conditions. This variant is not present in population databases (gnomAD no frequency).

NM_002755.4(MAP2K1):c.247T>C (p.Phe83Leu)

Gene: MAP2K1 (mitogen-activated protein kinase kinase 1; plus strand). Cytogenetic location: 15q22.31.
Variant type: single nucleotide variant.
Coding change: c.247T>C on transcript NM_002755.4 (MANE Select); coding-DNA position 247, T replaced by C.
Protein change: p.Phe83Leu; replaces phenylalanine 83 with leucine.
Molecular consequence: missense variant.
Genome position (GRCh38, 1-based): chr15:66,435,193, T>C. VCF-style: chr15-66435193-T-C. GRCh37 (hg19) VCF-style: chr15-66727531-T-C.
Other names: c.181T>C, p.Phe61Leu (NM_001411065.1); short protein forms F61L, F83L.
Identifiers: ClinVar variation 2894476 (VCV002894476.3), dbSNP rs1261366694, ClinGen allele CA392929475.